The following is an entry in ClinVar:

NM_001354604.2(MITF):c.455C>A (p.Ala152Asp)

Gene: MITF (melanocyte inducing transcription factor; plus strand). Cytogenetic location: 3p13.
Variant type: single nucleotide variant.
Coding change: c.455C>A on transcript NM_001354604.2 (MANE Select); coding-DNA position 455, C replaced by A.
Protein change: p.Ala152Asp; replaces alanine 152 with aspartic acid.
Molecular consequence: missense variant. On other transcripts: intron variant (1).
Genome position (GRCh38, 1-based): chr3:69,937,922, C>A. VCF-style: chr3-69937922-C-A. GRCh37 (hg19) VCF-style: chr3-69987073-C-A.
Other names: c.134C>A, p.Ala45Asp (NM_000248.4, NM_001184968.2, NM_198158.3); c.299C>A, p.Ala100Asp (NM_001184967.2, NM_001354608.2); c.452C>A, p.Ala151Asp (NM_001354605.2, NM_001354606.2, NM_006722.3); c.404C>A, p.Ala135Asp (NM_001354607.2); c.455C>A, p.Ala152Asp (NM_198159.3); c.407C>A, p.Ala136Asp (NM_198177.3); c.93+41C>A (NM_198178.3); short protein forms A152D, A135D, A136D, A100D, A151D, A45D.
Identifiers: ClinVar variation 3873237 (VCV003873237.1).

ClinVar aggregate classification (germline): Uncertain significance (1 of 4 stars; one submission).

Conditions:
Hereditary cancer-predisposing syndrome. Also called: Tumor predisposition; Neoplastic Syndromes, Hereditary; Hereditary Cancer Syndrome; Hereditary neoplastic syndrome. Identifiers: Orphanet 140162, MedGen C0027672, MeSH D009386, MONDO:0015356.

Submission:

Ambry Genetics
Classification: Uncertain significance for Hereditary cancer-predisposing syndrome. Last evaluated: 2025-02-02. Review status: criteria provided, single submitter. Criteria: Ambry Variant Classification Scheme 2023. Collection method: clinical testing. Allele origin: germline.
Comment: The p.A45D variant (also known as c.134C>A), located in coding exon 2 of the MITF gene, results from a C to A substitution at nucleotide position 134. The alanine at codon 45 is replaced by aspartic acid, an amino acid with dissimilar properties. This amino acid position is conserved. In addition, this alteration is predicted to be tolerated by in silico analysis. Based on the available evidence, the clinical significance of this variant remains unclear.